The following is an entry in ClinVar:

ClinVar aggregate classification (germline): Likely benign (1 of 4 stars; one submission).

gnomAD v4.1: 46 of 1,613,890 alleles (0.0029%); highest among the groups gnomAD compares: African/African-American, 0.032%; no homozygotes.

Submission:

CeGaT Center for Human Genetics Tuebingen
Classification: Likely benign. Last evaluated: 2024-07-01. Review status: criteria provided, single submitter. Criteria: CeGaT Center For Human Genetics Tuebingen Variant Classification Criteria Version 2. Collection method: clinical testing. Allele origin: germline. Affected: yes. Observed: 1 variant allele.
Comment: KMT5B: BP4

NM_017635.5(KMT5B):c.2435G>A (p.Arg812Gln)

Gene: KMT5B (lysine methyltransferase 5B; minus strand). Cytogenetic location: 11q13.2.
Variant type: single nucleotide variant.
Coding change: c.2435G>A on transcript NM_017635.5 (MANE Select); coding-DNA position 2435, G replaced by A.
Protein change: p.Arg812Gln; replaces arginine 812 with glutamine.
Molecular consequence: missense variant.
Genome position (GRCh38, 1-based): chr11:68,157,911, C>T on the plus strand (G>A on the coding strand, the complement: KMT5B is on the minus strand). VCF-style: chr11-68157911-C-T. GRCh37 (hg19) VCF-style: chr11-67925378-C-T.
Other names: c.1919G>A, p.Arg640Gln (NM_001300907.1, NM_001369428.1, NM_001369429.1 and 4 more transcripts); c.1715G>A, p.Arg572Gln (NM_001300908.2); c.2435G>A, p.Arg812Gln (NM_001369426.1); short protein forms R572Q, R640Q, R812Q.
Identifiers: ClinVar variation 3257191 (VCV003257191.17).